The following is an entry in ClinVar:

NM_001142800.2(EYS):c.5777A>G (p.Asp1926Gly)

Gene: EYS (EGF-like photoreceptor maintenance factor; minus strand). Cytogenetic location: 6q12.
Variant type: single nucleotide variant.
Coding change: c.5777A>G on transcript NM_001142800.2 (MANE Select); coding-DNA position 5777, A replaced by G.
Protein change: p.Asp1926Gly; replaces aspartic acid 1926 with glycine.
Molecular consequence: missense variant.
Genome position (GRCh38, 1-based): chr6:64,439,220, T>C on the plus strand (A>G on the coding strand, the complement: EYS is on the minus strand). VCF-style: chr6-64439220-T-C. GRCh37 (hg19) VCF-style: chr6-65149113-T-C.
Other names: c.5777A>G, p.Asp1926Gly (NM_001292009.2); short protein forms D1926G.
Identifiers: ClinVar variation 167049 (VCV000167049.14), dbSNP rs727503922, ClinGen allele CA233960.
Genomic context (GRCh38, chr6:64,439,220, plus strand): 5'-ACCTTTAAAGTACCATTTTCAATAAACAATTGAATAAAAAATCCATCTACTAAATTTGAG[T>C]CTTGCTTGACATACAGCAGAAGTCCATAGGAGCTGAAGGTCTGAAATTCTAGGGAGATGT-3'
Protein context (NP_001136272.1, residues 1916-1936): SYGLLLYVKQ[Asp1926Gly]SNLVDGFFIQ

ClinVar aggregate classification (germline): Uncertain significance. Review status: criteria provided, multiple submitters, no conflicts (2 of 4 stars). 6 submissions from 6 submitters: Uncertain significance (5). 1 of the submissions does not count toward it. Last evaluated 2025-07-02.

Conditions:
EYS-related disorder. Also called: EYS-related condition.
Inborn genetic diseases. Identifiers: MedGen C0950123, MeSH D030342.
Autosomal recessive retinitis pigmentosa. Identifiers: MedGen C0339526.

Allele frequency attached by ClinVar (database versions not stated): gnomAD 0.00003; gnomAD exomes 0.00004 and 0.00009; ExAC 0.00005; TOPMed 0.00005.
gnomAD v4.1: 122 of 1,483,170 alleles (0.0082%); highest among the groups gnomAD compares: Non-Finnish European, 0.01%; no homozygotes.

Submissions (6):

PreventionGenetics, part of Exact Sciences
Classification: Uncertain significance for EYS-related condition. Last evaluated: 2025-07-02. Review status: criteria provided, single submitter. Criteria: ACMG Guidelines, 2015. Collection method: clinical testing. Allele origin: germline.
Comment: The EYS c.5777A>G variant is predicted to result in the amino acid substitution p.Asp1926Gly. To our knowledge, this variant has not been reported in the literature. This variant is present in 0.0074% of alleles in individuals of Latino descent in gnomAD. At this time, the clinical significance of this variant is uncertain due to the absence of conclusive functional and genetic evidence.

Labcorp Genetics (formerly Invitae), Labcorp
Classification: Uncertain significance. Last evaluated: 2024-11-05. Review status: criteria provided, single submitter. Criteria: Invitae Variant Classification Sherloc (09022015). Collection method: clinical testing. Allele origin: germline.
Comment: This sequence change replaces aspartic acid, which is acidic and polar, with glycine, which is neutral and non-polar, at codon 1926 of the EYS protein (p.Asp1926Gly). This variant is present in population databases (rs727503922, gnomAD 0.008%). This variant has not been reported in the literature in individuals affected with EYS-related conditions. ClinVar contains an entry for this variant (Variation ID: 167049). Invitae Evidence Modeling of protein sequence and biophysical properties (such as structural, functional, and spatial information, amino acid conservation, physicochemical variation, residue mobility, and thermodynamic stability) indicates that this missense variant is expected to disrupt EYS protein function with a positive predictive value of 80%. In summary, the available evidence is currently insufficient to determine the role of this variant in disease. Therefore, it has been classified as a Variant of Uncertain Significance.

Blueprint Genetics
Classification: Uncertain significance. Last evaluated: 2024-02-12. Review status: criteria provided, single submitter. Criteria: ACMG Guidelines, 2015. Collection method: clinical testing. Allele origin: germline.

Ambry Genetics
Classification: Uncertain significance for Inborn genetic diseases. Last evaluated: 2022-08-08. Review status: criteria provided, single submitter. Criteria: Ambry Variant Classification Scheme 2023. Collection method: clinical testing. Allele origin: germline.

Eurofins Ntd Llc (ga)
Classification: Uncertain significance. Last evaluated: 2014-03-11. Review status: criteria provided, single submitter. Criteria: EGL Classification Definitions 2015. Collection method: clinical testing. Allele origin: germline. Observed: 1 variant allele, 1 heterozygote.

Natera, Inc.
Classification: Uncertain significance for Autosomal recessive retinitis pigmentosa. Last evaluated: 2020-09-02. Review status: no assertion criteria provided. Collection method: clinical testing. Allele origin: germline. Not counted in ClinVar's aggregate classification.